The following is an entry in ClinVar:

ClinVar aggregate classification (germline): Uncertain significance (1 of 4 stars; one submission).

Conditions:
Growth hormone insensitivity with immune dysregulation 1, autosomal recessive. Also called: Laron syndrome with immunodeficiency; GROWTH HORMONE INSENSITIVITY SYNDROME WITH IMMUNE DYSREGULATION 1, AUTOSOMAL RECESSIVE; GROWTH HORMONE INSENSITIVITY DUE TO POSTRECEPTOR DEFECT; LARON SYNDROME DUE TO POSTRECEPTOR DEFECT. Identifiers: Orphanet 220465, MedGen C5435698, MONDO:0100211, OMIM 245590.

Submission:

Labcorp Genetics (formerly Invitae), Labcorp
Classification: Uncertain significance for Growth hormone insensitivity with immune dysregulation 1, autosomal recessive. Last evaluated: 2025-03-31. Review status: criteria provided, single submitter. Criteria: Invitae Variant Classification Sherloc (09022015). Collection method: clinical testing. Allele origin: germline.
Comment: This sequence change replaces aspartic acid, which is acidic and polar, with asparagine, which is neutral and polar, at codon 748 of the STAT5B protein (p.Asp748Asn). This variant is not present in population databases (gnomAD no frequency). This variant has not been reported in the literature in individuals affected with STAT5B-related conditions. ClinVar contains an entry for this variant (Variation ID: 1063876). An algorithm developed to predict the effect of missense changes on protein structure and function (PolyPhen-2) suggests that this variant is likely to be disruptive. In summary, the available evidence is currently insufficient to determine the role of this variant in disease. Therefore, it has been classified as a Variant of Uncertain Significance.

NM_012448.4(STAT5B):c.2242G>A (p.Asp748Asn)

Gene: STAT5B (signal transducer and activator of transcription 5B; minus strand). Cytogenetic location: 17q21.2.
Variant type: single nucleotide variant.
Coding change: c.2242G>A on transcript NM_012448.4 (MANE Select); coding-DNA position 2242, G replaced by A.
Protein change: p.Asp748Asn; replaces aspartic acid 748 with asparagine.
Molecular consequence: missense variant.
Genome position (GRCh38, 1-based): chr17:42,201,860, C>T on the plus strand (G>A on the coding strand, the complement: STAT5B is on the minus strand). VCF-style: chr17-42201860-C-T. GRCh37 (hg19) VCF-style: chr17-40353878-C-T.
Other names: short protein forms D748N.
Identifiers: ClinVar variation 1063876 (VCV001063876.9), dbSNP rs2144191866, ClinGen allele CA399572891.
Genomic context (GRCh38, chr17:42,201,860, plus strand): 5'-GCCGCGCTACGTCCATTGTGTCCTCCAGATCGAAGTCCCCATCGGTGTCAAGGACTGAGT[C>T]AGGGCTTGGGAGGGAAAGAAGAGGGATGAAGGGAAGGGGAAAGCCTGCCAGAGACCACCC-3'
Protein context (NP_036580.2, residues 738-758): AHYNMYPQNP[Asp748Asn]SVLDTDGDFD